The following is an entry in ClinVar:

NM_001111125.3(IQSEC2):c.1242C>T (p.Asp414=)

Gene: IQSEC2 (IQ motif and Sec7 domain ArfGEF 2; minus strand). Cytogenetic location: Xp11.22.
Variant type: single nucleotide variant.
Coding change: c.1242C>T on transcript NM_001111125.3 (MANE Select); coding-DNA position 1242, C replaced by T.
Protein change: p.Asp414=; no amino-acid change (aspartic acid 414 retained).
Molecular consequence: synonymous variant.
Genome position (GRCh38, 1-based): chrX:53,254,689, G>A on the plus strand (C>T on the coding strand, the complement: IQSEC2 is on the minus strand). VCF-style: chrX-53254689-G-A. GRCh37 (hg19) VCF-style: chrX-53283871-G-A.
Other names: c.1242C>T, p.Asp414= (NM_001410736.1); c.627C>T, p.Asp209= (NM_015075.2).
Identifiers: ClinVar variation 2583080 (VCV002583080.25), dbSNP rs2074440746, ClinGen allele CA516674310.
Genomic context (GRCh38, chrX:53,254,689, plus strand): 5'-GCCTCCATATGGGAGCCCCCGTTCAAGCCGGTGGCTCCGGGCACCAGCCATGGCACCCTC[G>A]TCCAGCGAGGCAGGCTTGCCCTCGAAGTACGCGGGGTTCTGTGCCTTCTCATACTCCTCA-3'
Protein context (NP_001104595.1, residues 404-424): AYFEGKPASL[Asp414=]EGAMAGARSH

ClinVar aggregate classification (germline): Likely benign (1 of 4 stars; one submission).

Allele frequency attached by ClinVar (database versions not stated): gnomAD 0.00001; gnomAD exomes 0.00001.
gnomAD v4.1: 9 of 1,209,023 alleles (0.00074%); highest among the groups gnomAD compares: African/African-American, 0.0035%; no homozygotes.

Submission:

CeGaT Center for Human Genetics Tuebingen
Classification: Likely benign. Last evaluated: 2023-09-01. Review status: criteria provided, single submitter. Criteria: CeGaT Center For Human Genetics Tuebingen Variant Classification Criteria Version 2. Collection method: clinical testing. Allele origin: germline. Affected: yes. Observed: 1 variant allele.
Comment: IQSEC2: BP4, BP7